The following is an entry in ClinVar:

NM_001556.3(IKBKB):c.480A>G (p.Leu160=)

Gene: IKBKB (inhibitor of nuclear factor kappa B kinase subunit beta; plus strand). Cytogenetic location: 8p11.21.
Variant type: single nucleotide variant.
Coding change: c.480A>G on transcript NM_001556.3 (MANE Select); coding-DNA position 480, A replaced by G.
Protein change: p.Leu160=; no amino-acid change (leucine 160 retained).
Molecular consequence: synonymous variant. On other transcripts: non-coding transcript variant (3).
Genome position (GRCh38, 1-based): chr8:42,306,345, A>G. VCF-style: chr8-42306345-A-G. GRCh37 (hg19) VCF-style: chr8-42163863-A-G.
Other names: c.288A>G, p.Leu96= (NM_001190720.3); c.303A>G, p.Leu101= (NM_001242778.2).
Identifiers: ClinVar variation 723754 (VCV000723754.13), dbSNP rs17875704, ClinGen allele CA4731707.

ClinVar aggregate classification (germline): Benign/Likely benign. Review status: criteria provided, multiple submitters, no conflicts (2 of 4 stars). 3 submissions from 3 submitters: Benign (2); Likely benign (1). Last evaluated 2026-02-10.

Conditions:
Severe combined immunodeficiency due to IKK2 deficiency. Also called: IMMUNODEFICIENCY 15B; Immunodeficiency 15. Identifiers: Orphanet 397787, MedGen C4747743, MONDO:0014267, OMIM 615592.

Allele frequency attached by ClinVar (database versions not stated): gnomAD 0.00134 and 0.00143; TOPMed 0.00136; ESP Exome Variant Server 0.00146; 1000 Genomes Project 30x 0.00156; 1000 Genomes Project 0.00160.
gnomAD v4.1: 350 of 1,596,944 alleles (0.022%); highest among the groups gnomAD compares: African/African-American, 0.39%; 1 homozygote.

Submissions (4):

Women's Health and Genetics/Laboratory Corporation of America, LabCorp
Classification: Benign. Last evaluated: 2026-02-10. Review status: criteria provided, single submitter. Criteria: LabCorp Variant Classification Summary - May 2015. Collection method: clinical testing. Allele origin: germline.
Comment: Variant summary: IKBKB c.480A>G (p.Leu160Leu) alters a conserved nucleotide located close to a canonical splice site and therefore could affect mRNA splicing, leading to a significantly altered protein sequence. The variant allele was found at a frequency of 0.00035 in 251402 control chromosomes, predominantly at a frequency of 0.0044 within the African or African-American subpopulation in the gnomAD database. The observed variant frequency within African or African-American control individuals in the gnomAD database exceeds the estimated maximal expected allele frequency for disease-causing variants in IKBKB. To our knowledge, no occurrence of c.480A>G in individuals affected with IKBKB-related conditions and no experimental evidence demonstrating its impact on protein function have been reported. ClinVar contains an entry for this variant (Variation ID: 723754). Based on the evidence outlined above, the variant was classified as benign.

Labcorp Genetics (formerly Invitae), Labcorp
Classification: Benign for Severe combined immunodeficiency due to IKK2 deficiency. Last evaluated: 2026-01-11. Review status: criteria provided, single submitter. Criteria: Invitae Variant Classification Sherloc (09022015). Collection method: clinical testing. Allele origin: germline.

Blueprint Genetics
Classification: Likely benign. Last evaluated: 2023-09-19. Review status: criteria provided, single submitter. Criteria: ACMG Guidelines, 2015. Collection method: clinical testing. Allele origin: germline.

Dr. Peter K. Rogan Lab, Western University
No classification provided (evidence only). Condition: Familial cancer of breast. Review status: no classification provided. Collection method: in vitro. Allele origin: not applicable. Functional consequence: retained intron. Not counted in ClinVar's aggregate classification.